The following is an entry in ClinVar:

NM_003114.5(SPAG1):c.1536-10_1536-9delinsCG

Gene: SPAG1 (sperm associated antigen 1; plus strand). Cytogenetic location: 8q22.2.
Variant type: Indel.
Coding change: c.1536-10_1536-9delinsCG on transcript NM_003114.5 (MANE Select); 10 bases into the intron before coding-DNA position 1536 through 9 bases into the intron before coding-DNA position 1536, TC replaced by CG.
Molecular consequence: intron variant.
Genome position (GRCh38, 1-based): chr8:100,220,269-100,220,270, TC replaced by CG. VCF-style: chr8-100220269-TC-CG. GRCh37 (hg19) VCF-style: chr8-101232497-TC-CG.
Other names: c.1536-10_1536-9delinsCG (NM_001374321.1, NM_172218.3).
Identifiers: ClinVar variation 1521415 (VCV001521415.4), dbSNP rs2132386928, ClinGen allele CA2573142694.

ClinVar aggregate classification (germline): Uncertain significance (1 of 4 stars; one submission).

Conditions:
Primary ciliary dyskinesia 28. Also called: CILIARY DYSKINESIA, PRIMARY, 28, WITH OR WITHOUT SITUS INVERSUS. Identifiers: Orphanet 244, MedGen C3809706, MONDO:0014216, OMIM 615505.

Submission:

Labcorp Genetics (formerly Invitae), Labcorp
Classification: Uncertain significance for Primary ciliary dyskinesia 28. Last evaluated: 2021-11-23. Review status: criteria provided, single submitter. Criteria: Invitae Variant Classification Sherloc (09022015). Collection method: clinical testing. Allele origin: germline.
Comment: In summary, the available evidence is currently insufficient to determine the role of this variant in disease. Therefore, it has been classified as a Variant of Uncertain Significance. Algorithms developed to predict the effect of sequence changes on RNA splicing suggest that this variant may disrupt the consensus splice site. This variant has not been reported in the literature in individuals affected with SPAG1-related conditions. Information on the frequency of this variant in the gnomAD database is not available, as this variant may be reported differently in the database. This sequence change falls in intron 12 of the SPAG1 gene. It does not directly change the encoded amino acid sequence of the SPAG1 protein.